The following is an entry in ClinVar:

ClinVar aggregate classification (germline): Uncertain significance (1 of 4 stars; one submission).

gnomAD v4.1: 6 of 1,613,956 alleles (0.00037%); highest among the groups gnomAD compares: Non-Finnish European, 0.00051%; no homozygotes.

Submission:

Women's Health and Genetics/Laboratory Corporation of America, LabCorp
Classification: Uncertain significance. Last evaluated: 2025-12-24. Review status: criteria provided, single submitter. Criteria: LabCorp Variant Classification Summary - May 2015. Collection method: clinical testing. Allele origin: germline.
Comment: Variant summary: CD36 c.338C>T (p.Ser113Phe) results in a non-conservative amino acid change in the encoded protein sequence. Algorithms developed to predict the effect of missense changes on protein structure and function all suggest that this variant is likely to be disruptive. The variant allele was found at a frequency of 4e-06 in 250878 control chromosomes. The available data on variant occurrences in the general population are insufficient to allow any conclusion about variant significance. To our knowledge, no occurrence of c.338C>T in individuals affected with CD36-related conditions and no experimental evidence demonstrating its impact on protein function have been reported. No submitters have cited clinical-significance assessments for this variant to ClinVar. Based on the evidence outlined above, the variant was classified as uncertain significance.

NM_001001548.3(CD36):c.338C>T (p.Ser113Phe)

Gene: CD36 (CD36 molecule (CD36 blood group); plus strand). Cytogenetic location: 7q21.11.
Variant type: single nucleotide variant.
Coding change: c.338C>T on transcript NM_001001548.3 (MANE Select); coding-DNA position 338, C replaced by T.
Protein change: p.Ser113Phe; replaces serine 113 with phenylalanine.
Molecular consequence: missense variant. On other transcripts: 5 prime UTR variant (2), non-coding transcript variant (1).
Genome position (GRCh38, 1-based): chr7:80,661,119, C>T. VCF-style: chr7-80661119-C-T. GRCh37 (hg19) VCF-style: chr7-80290435-C-T.
Other names: c.338C>T, p.Ser113Phe (NM_001371074.1, NM_001371075.1, NM_001371077.1 and 7 more transcripts); c.236C>T, p.Ser79Phe (NM_001371079.1); c.-128C>T (NM_001371080.1); c.-145C>T (NM_001371081.1); c.110C>T, p.Ser37Phe (NM_001289911.2); short protein forms S113F, S37F, S79F.
Identifiers: ClinVar variation 4688826 (VCV004688826.1).